The following is an entry in ClinVar:

NM_031935.3(HMCN1):c.14792A>G (p.Asn4931Ser)

Gene: HMCN1 (hemicentin 1; plus strand). Cytogenetic location: 1q31.1.
Variant type: single nucleotide variant.
Coding change: c.14792A>G on transcript NM_031935.3 (MANE Select); coding-DNA position 14792, A replaced by G.
Protein change: p.Asn4931Ser; replaces asparagine 4931 with serine.
Molecular consequence: missense variant.
Genome position (GRCh38, 1-based): chr1:186,151,639, A>G. VCF-style: chr1-186151639-A-G. GRCh37 (hg19) VCF-style: chr1-186120771-A-G.
Other names: short protein forms N4931S.
Identifiers: ClinVar variation 3007886 (VCV003007886.3), dbSNP rs2528151475, ClinGen allele CA343920947.

ClinVar aggregate classification (germline): Uncertain significance (1 of 4 stars; one submission).

Submission:

Labcorp Genetics (formerly Invitae), Labcorp
Classification: Uncertain significance. Last evaluated: 2023-06-11. Review status: criteria provided, single submitter. Criteria: Invitae Variant Classification Sherloc (09022015). Collection method: clinical testing. Allele origin: germline.
Comment: This variant is not present in population databases (gnomAD no frequency). This sequence change replaces asparagine, which is neutral and polar, with serine, which is neutral and polar, at codon 4931 of the HMCN1 protein (p.Asn4931Ser). This variant has not been reported in the literature in individuals affected with HMCN1-related conditions. In summary, the available evidence is currently insufficient to determine the role of this variant in disease. Therefore, it has been classified as a Variant of Uncertain Significance. An algorithm developed to predict the effect of missense changes on protein structure and function (PolyPhen-2) suggests that this variant is likely to be disruptive.